The following is an entry in ClinVar:

NM_016169.4(SUFU):c.853_861dup (p.Asp285_Asp287dup)

Gene: SUFU (SUFU negative regulator of hedgehog signaling; plus strand). Cytogenetic location: 10q24.32.
Variant type: Duplication.
Coding change: c.853_861dup on transcript NM_016169.4 (MANE Select); coding-DNA positions 853 to 861, 9 bases duplicated (GACGAGGAC; older notation c.853_861dupGACGAGGAC).
Protein change: p.Asp285_Asp287dup.
Molecular consequence: inframe insertion.
Genome position (GRCh38, 1-based): chr10:102,597,236-102,597,244, GACGAGGAC duplicated. VCF-style (leftmost placement, unchanged base first): chr10-102597235-T-TGACGAGGAC. GRCh37 (hg19) VCF-style: chr10-104356992-T-TGACGAGGAC.
Other names: c.853_861dupGACGAGGAC (NM_016169.3); c.853_861dup, p.Asp285_Asp287dup (NM_001178133.2).
Identifiers: ClinVar variation 524669 (VCV000524669.16), dbSNP rs1363458155, ClinGen allele CA658797531.
Genomic context (GRCh38, chr10:102,597,235, plus strand): 5'-CAACCTGAGTGGTGTCAGTGCCAAGTGTGCCTGGGATGACCTGAGCCGGCCCCCCGAGGA[T>TGACGAGGAC]GACGAGGACAGCCGGAGCATCTGCATCGGCACACAGCCCCGGCGACTCTCTGGCAAAGGT-3'

ClinVar aggregate classification (germline): Uncertain significance. Review status: criteria provided, multiple submitters, no conflicts (2 of 4 stars). 4 submissions from 4 submitters: Uncertain significance (4). Last evaluated 2023-07-25.

Conditions:
Gorlin syndrome. Also called: Basal cell nevus syndrome; Nevoid Basal Cell Carcinoma Syndrome. Identifiers: Orphanet 377, MedGen C0004779, MONDO:0007187.
Medulloblastoma (MDB). Also called: Medulloblastoma, somatic; MEDULLOBLASTOMA PREDISPOSITION SYNDROME. Identifiers: Orphanet 616, MedGen C0025149, MeSH D008527, MONDO:0007959, OMIM 155255, HP:0002885.
Hereditary cancer-predisposing syndrome. Also called: Neoplastic Syndromes, Hereditary; Tumor predisposition; Hereditary neoplastic syndrome; Hereditary Cancer Syndrome. Identifiers: Orphanet 140162, MedGen C0027672, MeSH D009386, MONDO:0015356.
Familial meningioma. Also called: Meningioma, familial, susceptibility to. Identifiers: Orphanet 263662, MedGen C3551915, MONDO:0011789, OMIM 607174.

Allele frequency attached by ClinVar (database versions not stated): gnomAD exomes below 0.00001; TOPMed below 0.00001; gnomAD 0.00001.

Submissions (4):

Baylor Genetics
Classification: Uncertain significance for Familial meningioma. Last evaluated: 2023-07-25. Review status: criteria provided, single submitter. Criteria: ACMG Guidelines, 2015. Collection method: clinical testing. Allele origin: unknown.

GeneDx
Classification: Uncertain significance. Last evaluated: 2022-09-30. Review status: criteria provided, single submitter. Criteria: GeneDx Variant Classification Process June 2021. Collection method: clinical testing. Allele origin: germline. Affected: yes.
Comment: Not observed at significant frequency in large population cohorts (gnomAD); In-frame insertion of 3 amino acids in a non-repeat region; In silico analysis supports that this variant does not alter protein structure/function; Has not been previously published as pathogenic or benign to our knowledge; This variant is associated with the following publications: (PMID: 24311597)

Labcorp Genetics (formerly Invitae), Labcorp
Classification: Uncertain significance for Gorlin syndrome; Medulloblastoma. Last evaluated: 2021-02-25. Review status: criteria provided, single submitter. Criteria: Invitae Variant Classification Sherloc (09022015). Collection method: clinical testing. Allele origin: germline.
Comment: This variant, c.853_861dupGACGAGGAC, results in the insertion of 3 amino acids to the SUFU protein (p.Asp285_Asp287dup), but otherwise preserves the integrity of the reading frame. This variant is not present in population databases (ExAC no frequency). This variant has not been reported in the literature in individuals with SUFU-related disease. Experimental studies and prediction algorithms are not available for this variant, and the functional significance of the duplicated amino acids is currently unknown. In summary, the available evidence is currently insufficient to determine the role of this variant in disease. Therefore, it has been classified as a Variant of Uncertain Significance.

Ambry Genetics
Classification: Uncertain significance for Hereditary cancer-predisposing syndrome. Last evaluated: 2019-10-09. Review status: criteria provided, single submitter. Criteria: Ambry Variant Classification Scheme 2023. Collection method: clinical testing. Allele origin: germline.
Comment: The c.853_861dupGACGAGGAC variant (also known as p.D285_D287dup), located in coding exon 7 of the SUFU gene, results from an in-frame duplication of GACGAGGAC at nucleotide positions 853 to 861. This results in the duplication of 3 extra residues (DED) between codons 285 and 287. This amino acid region is well conserved in available vertebrate species. Since supporting evidence is limited at this time, the clinical significance of this alteration remains unclear.